The following is an entry in ClinVar:

NM_000443.4(ABCB4):c.2479-66del

Gene: ABCB4 (ATP binding cassette subfamily B member 4; minus strand). Cytogenetic location: 7q21.12.
Variant type: Deletion.
Coding change: c.2479-66del on transcript NM_000443.4 (MANE Select); 66 bases into the intron before coding-DNA position 2479, one base deleted (G; older notation c.2479-66delG).
Molecular consequence: intron variant.
Genome position (GRCh38, 1-based): chr7:87,417,581, C deleted on the plus strand (G on the coding strand, the reverse complement: ABCB4 is on the minus strand); the first of 2 consecutive C bases (chr7:87,417,581-87,417,582); deleting either gives the same sequence. VCF-style (leftmost placement, unchanged base first): chr7-87417580-GC-G. GRCh37 (hg19) VCF-style: chr7-87046896-GC-G.
Other names: c.2479-66del (NM_018850.3, NM_018849.3).
Identifiers: ClinVar variation 1292130 (VCV001292130.3), dbSNP rs5885584, ClinGen allele CA162106202.
Genomic context (GRCh38, chr7:87,417,580, plus strand): 5'-GAGAGAAAAAGCACAAAGCAACTGTAGTTTTAAGCTCCAAATGCATGCGCTCCAGCCTTA[GC>G]CTCTTGGTCAGAATGATGAGTGGGTTCTATGCCTGAGCTACATTGGCTTACTTTCATTAC-3'

ClinVar aggregate classification (germline): Benign. Review status: criteria provided, multiple submitters, no conflicts (2 of 4 stars). 2 submissions from 2 submitters: Benign (2). Last evaluated 2026-04-14.

Conditions:
Low phospholipid associated cholelithiasis (GBD1). Also called: Gallstone cholecystitis; Gallbladder disease 1. Identifiers: Orphanet 69663, MedGen C2609268, MONDO:0010939, OMIM 600803.
Familial intrahepatic cholestasis. Identifiers: Orphanet 284385, MedGen CN296401, MONDO:0017290.

Submissions (2):

Genomenon, Inc
Classification: Benign for Familial intrahepatic cholestasis; Low phospholipid associated cholelithiasis. Last evaluated: 2026-04-14. Review status: criteria provided, single submitter. Criteria: Genomenon Sequence Variant Interpretation Standards - Updated. Collection method: curation. Allele origin: germline. Affected: no.
Comment: ABCB4 c.2479-66del is a deletion variant located in intron 20. This variant is present at high allele frequency in population databases. We classify ABCB4 c.2479-66del as a benign variant.

GeneDx
Classification: Benign. Last evaluated: 2018-06-29. Review status: criteria provided, single submitter. Criteria: GeneDx Variant Classification Process June 2021. Collection method: clinical testing. Allele origin: germline. Affected: yes.